The following is an entry in ClinVar:

NM_006073.4(TRDN):c.307A>G (p.Ile103Val)

Gene: TRDN (triadin; minus strand). Cytogenetic location: 6q22.31.
Variant type: single nucleotide variant.
Coding change: c.307A>G on transcript NM_006073.4 (MANE Select); coding-DNA position 307, A replaced by G.
Protein change: p.Ile103Val; replaces isoleucine 103 with valine.
Molecular consequence: missense variant.
Genome position (GRCh38, 1-based): chr6:123,548,538, T>C on the plus strand (A>G on the coding strand, the complement: TRDN is on the minus strand). VCF-style: chr6-123548538-T-C. GRCh37 (hg19) VCF-style: chr6-123869683-T-C.
Other names: c.307A>G, p.Ile103Val (NM_001251987.2, NM_001256020.2, NM_001256021.2 and 1 more transcripts); short protein forms I103V.
Identifiers: ClinVar variation 408729 (VCV000408729.10), dbSNP rs535845814, ClinGen allele CA16612108.
Genomic context (GRCh38, chr6:123,548,538, plus strand): 5'-CATCATCTTCTTCATCTTCAGATGAGATGATGTCAGATAACAAAGAAAAGAAGCCATAGA[T>C]CCAGTCCGTGGTTTCCTCCATAGCATCACGTACCAGTTTTAAAGGATCTGAGCCAATCTT-3'
Protein context (NP_006064.2, residues 93-113): RDAMEETTDW[Ile103Val]YGFFSLLSDI

ClinVar aggregate classification (germline): Uncertain significance (1 of 4 stars; one submission).

Conditions:
Catecholaminergic polymorphic ventricular tachycardia 1. Also called: VENTRICULAR TACHYCARDIA, CATECHOLAMINERGIC POLYMORPHIC, 1, WITH OR WITHOUT ATRIAL DYSFUNCTION AND/OR DILATED CARDIOMYOPATHY; RYR2-Related Catecholaminergic Polymorphic Ventricular Tachycardia; VENTRICULAR TACHYCARDIA, STRESS-INDUCED POLYMORPHIC 1. Identifiers: Orphanet 3286, MedGen C1631597, MONDO:0011484, OMIM 604772.

Allele frequency attached by ClinVar (database versions not stated): gnomAD 0.00001; 1000 Genomes Project 30x 0.00016; 1000 Genomes Project 0.00020.
gnomAD v4.1: 1 of 1,577,376 alleles (0.000063%); highest among the groups gnomAD compares: South Asian, 0.0012%; no homozygotes.

Submission:

Labcorp Genetics (formerly Invitae), Labcorp
Classification: Uncertain significance for Catecholaminergic polymorphic ventricular tachycardia 1. Last evaluated: 2022-10-13. Review status: criteria provided, single submitter. Criteria: Invitae Variant Classification Sherloc (09022015). Collection method: clinical testing. Allele origin: germline.
Comment: This sequence change replaces isoleucine, which is neutral and non-polar, with valine, which is neutral and non-polar, at codon 103 of the TRDN protein (p.Ile103Val). This variant is not present in population databases (gnomAD no frequency). This variant has not been reported in the literature in individuals affected with TRDN-related conditions. ClinVar contains an entry for this variant (Variation ID: 408729). Advanced modeling of protein sequence and biophysical properties (such as structural, functional, and spatial information, amino acid conservation, physicochemical variation, residue mobility, and thermodynamic stability) performed at Invitae indicates that this missense variant is not expected to disrupt TRDN protein function. In summary, the available evidence is currently insufficient to determine the role of this variant in disease. Therefore, it has been classified as a Variant of Uncertain Significance.